The following is an entry in ClinVar:

NM_020964.3(EPG5):c.3638T>C (p.Ile1213Thr)

Gene: EPG5 (ectopic P-granules 5 autophagy tethering factor; minus strand). Cytogenetic location: 18q21.1.
Variant type: single nucleotide variant.
Coding change: c.3638T>C on transcript NM_020964.3 (MANE Select); coding-DNA position 3638, T replaced by C.
Protein change: p.Ile1213Thr; replaces isoleucine 1213 with threonine.
Molecular consequence: missense variant.
Genome position (GRCh38, 1-based): chr18:45,915,566, A>G on the plus strand (T>C on the coding strand, the complement: EPG5 is on the minus strand). VCF-style: chr18-45915566-A-G. GRCh37 (hg19) VCF-style: chr18-43495531-A-G.
Other names: c.3638T>C, p.Ile1213Thr (NM_001410858.1, NM_001410859.1); short protein forms I1213T.
Identifiers: ClinVar variation 3627793 (VCV003627793.2).
Genomic context (GRCh38, chr18:45,915,566, plus strand): 5'-CCTACCTGAGTGGGCGTGGCCAAGCCCTCCACAAAGGAAGGAGTGATGTTGCCTGCCACA[A>G]TCCAGCTTACCAAAGATGAGAGCAGACTCCGGTCACAGTGGTAACCCAAGGCATTCTACA-3'
Protein context (NP_066015.2, residues 1203-1223): RSLLSSLVSW[Ile1213Thr]VAGNITPSFV

ClinVar aggregate classification (germline): Uncertain significance (1 of 4 stars; one submission).

Conditions:
Vici syndrome (VICIS). Identifiers: Orphanet 1493, MedGen C1855772, MONDO:0009452, OMIM 242840.

gnomAD v4.1: 3 of 1,614,188 alleles (0.00019%); highest among the groups gnomAD compares: Non-Finnish European, 0.00025%; no homozygotes.

Submission:

Labcorp Genetics (formerly Invitae), Labcorp
Classification: Uncertain significance for Vici syndrome. Last evaluated: 2024-02-03. Review status: criteria provided, single submitter. Criteria: Invitae Variant Classification Sherloc (09022015). Collection method: clinical testing. Allele origin: germline.
Comment: This sequence change replaces isoleucine, which is neutral and non-polar, with threonine, which is neutral and polar, at codon 1213 of the EPG5 protein (p.Ile1213Thr). This variant is present in population databases (rs770129197, gnomAD 0.004%). This variant has not been reported in the literature in individuals affected with EPG5-related conditions. Advanced modeling of protein sequence and biophysical properties (such as structural, functional, and spatial information, amino acid conservation, physicochemical variation, residue mobility, and thermodynamic stability) has been performed at Invitae for this missense variant, however the output from this modeling did not meet the statistical confidence thresholds required to predict the impact of this variant on EPG5 protein function. In summary, the available evidence is currently insufficient to determine the role of this variant in disease. Therefore, it has been classified as a Variant of Uncertain Significance.